The following is an entry in ClinVar:

ClinVar aggregate classification (germline): Uncertain significance. Review status: criteria provided, multiple submitters, no conflicts (2 of 4 stars). 2 submissions from 2 submitters: Uncertain significance (2). Last evaluated 2023-11-23.

Conditions:
Duchenne muscular dystrophy (DMD). Also called: Duchenne Muscular Dystrophy (DMD); MUSCULAR DYSTROPHY, PSEUDOHYPERTROPHIC PROGRESSIVE, DUCHENNE TYPE. Identifiers: Orphanet 98896, MedGen C0013264, MONDO:0010679, OMIM 310200.

Allele frequency attached by ClinVar (database versions not stated): gnomAD exomes 0.00001.

Submissions (2):

Labcorp Genetics (formerly Invitae), Labcorp
Classification: Uncertain significance for Duchenne muscular dystrophy. Last evaluated: 2023-11-23. Review status: criteria provided, single submitter. Criteria: Invitae Variant Classification Sherloc (09022015). Collection method: clinical testing. Allele origin: germline.
Comment: This sequence change replaces leucine, which is neutral and non-polar, with valine, which is neutral and non-polar, at codon 2459 of the DMD protein (p.Leu2459Val). This variant is present in population databases (no rsID available, gnomAD 0.01%). This variant has not been reported in the literature in individuals affected with DMD-related conditions. ClinVar contains an entry for this variant (Variation ID: 1450389). Advanced modeling of protein sequence and biophysical properties (such as structural, functional, and spatial information, amino acid conservation, physicochemical variation, residue mobility, and thermodynamic stability) performed at Invitae indicates that this missense variant is not expected to disrupt DMD protein function with a negative predictive value of 95%. In summary, the available evidence is currently insufficient to determine the role of this variant in disease. Therefore, it has been classified as a Variant of Uncertain Significance.

Revvity Omics, Revvity
Classification: Uncertain significance. Last evaluated: 2019-12-28. Review status: criteria provided, single submitter. Criteria: ACMG Guidelines, 2015. Collection method: clinical testing. Allele origin: germline.

NM_004006.3(DMD):c.7375C>G (p.Leu2459Val)

Gene: DMD (dystrophin; minus strand). Cytogenetic location: Xp21.1.
Variant type: single nucleotide variant.
Coding change: c.7375C>G on transcript NM_004006.3 (MANE Select); coding-DNA position 7375, C replaced by G.
Protein change: p.Leu2459Val; replaces leucine 2459 with valine.
Molecular consequence: missense variant. On other transcripts: 5 prime UTR variant (5).
Genome position (GRCh38, 1-based): chrX:31,774,127, G>C on the plus strand (C>G on the coding strand, the complement: DMD is on the minus strand). VCF-style: chrX-31774127-G-C. GRCh37 (hg19) VCF-style: chrX-31792244-G-C.
Other names: c.7351C>G, p.Leu2451Val (NM_000109.4); c.7363C>G, p.Leu2455Val (NM_004009.3); c.7006C>G, p.Leu2336Val (NM_004010.3); c.3352C>G, p.Leu1118Val (NM_004011.4); c.3343C>G, p.Leu1115Val (NM_004012.4); c.-6C>G (NM_004013.3, NM_004020.4, NM_004021.3 and 2 more transcripts); c.7375C>G (NM_004006.2); short protein forms L2336V, L2455V, L2459V, L1115V, L1118V, L2451V.
Identifiers: ClinVar variation 1450389 (VCV001450389.6), dbSNP rs867040444, ClinGen allele CA328470494.